The following is an entry in ClinVar:

ClinVar aggregate classification (germline): Pathogenic. Review status: criteria provided, multiple submitters, no conflicts (2 of 4 stars). 2 submissions from 2 submitters: Pathogenic (2). Last evaluated 2025-01-28.

Conditions:
Progressive external ophthalmoplegia with mitochondrial DNA deletions, autosomal recessive 4. Also called: Adult-onset multiple mitochondrial DNA deletion syndrome due to DGUOK deficiency; PROGRESSIVE EXTERNAL OPHTHALMOPLEGIA, AUTOSOMAL RECESSIVE 4. Identifiers: Orphanet 329314, MedGen C4310733, MONDO:0014899, OMIM 617070.
Mitochondrial DNA depletion syndrome 3 (hepatocerebral type). Also called: Mitochondrial DNA depletion syndrome, hepatocerebral form due to DGUOK deficiency; Deoxyguanosine Kinase Deficiency; MITOCHONDRIAL DNA DEPLETION SYNDROME 3. Identifiers: Orphanet 279934, MedGen CN074093, MONDO:0009636, OMIM 251880.
Portal hypertension, noncirrhotic, 1 (NCPH1). Identifiers: MedGen CN305369, MONDO:8000013, OMIM 617068.

Allele frequency attached by ClinVar (database versions not stated): gnomAD exomes 0.00001 and 0.00002; TOPMed 0.00002; gnomAD 0.00003 and 0.00004; ExAC 0.00005.

Submissions (2):

First Genomix Gene Laboratory, Genetic Diagnostics Department
Classification: Pathogenic for Mitochondrial DNA depletion syndrome 3 (hepatocerebral type); Portal hypertension, noncirrhotic, 1; Progressive external ophthalmoplegia with mitochondrial DNA deletions, autosomal recessive 4. Last evaluated: 2025-01-28. Review status: criteria provided, single submitter. Criteria: ACMG Guidelines, 2015. Collection method: clinical testing. Allele origin: germline. Inheritance: Autosomal recessive inheritance. Affected: no. Observed: 1 variant allele.

Labcorp Genetics (formerly Invitae), Labcorp
Classification: Pathogenic. Last evaluated: 2024-04-17. Review status: criteria provided, single submitter. Criteria: Invitae Variant Classification Sherloc (09022015). Collection method: clinical testing. Allele origin: germline.
Comment: This sequence change affects the initiator methionine of the DGUOK mRNA. The next in-frame methionine is located at codon 18. This variant is present in population databases (rs534297082, gnomAD 0.006%). Disruption of the initiator codon has been observed in individuals with mitochondrial DNA depletion syndrome (PMID: 16908739, 21107780). ClinVar contains an entry for this variant (Variation ID: 1324223). For these reasons, this variant has been classified as Pathogenic.

Literature cited by the submitters: PubMed 16908739 (cited by Labcorp Genetics (formerly Invitae), Labcorp); PubMed 21107780 (cited by Labcorp Genetics (formerly Invitae), Labcorp).

NM_080916.3(DGUOK):c.3G>A (p.Met1Ile)

Genes: DGUOK (deoxyguanosine kinase; plus strand), LOC129934096 (ATAC-STARR-seq lymphoblastoid active region 16036; plus strand). Cytogenetic location: 2p13.1.
Variant type: single nucleotide variant.
Coding change: c.3G>A on transcript NM_080916.3 (MANE Select); coding-DNA position 3, G replaced by A.
Protein change: p.Met1Ile; changes the start codon (methionine 1).
Molecular consequence: missense variant, initiator codon variant. On other transcripts: 5 prime UTR variant (4), non-coding transcript variant (6).
Genome position (GRCh38, 1-based): chr2:73,926,913, G>A. VCF-style: chr2-73926913-G-A. GRCh37 (hg19) VCF-style: chr2-74154040-G-A.
Other names: c.3G>A, p.Met1Ile (NM_001318859.2, NM_080918.3); c.-176G>A (NM_001318860.2, NM_001318863.2); c.-262G>A (NM_001318861.2, NM_001318862.2); short protein forms M1I.
Identifiers: ClinVar variation 1324223 (VCV001324223.8), dbSNP rs534297082, ClinGen allele CA1718121.